The following is an entry in ClinVar:

NM_000051.4(ATM):c.9023G>A (p.Arg3008His)

Genes: ATM (ATM serine/threonine kinase; plus strand), C11orf65 (chromosome 11 open reading frame 65; minus strand). Cytogenetic location: 11q22.3.
Variant type: single nucleotide variant.
Coding change: c.9023G>A on transcript NM_000051.4 (MANE Select); coding-DNA position 9023, G replaced by A.
Protein change: p.Arg3008His; replaces arginine 3008 with histidine.
Molecular consequence: missense variant. On other transcripts: intron variant (2).
Genome position (GRCh38, 1-based): chr11:108,365,360, G>A. VCF-style: chr11-108365360-G-A. GRCh37 (hg19) VCF-style: chr11-108236087-G-A.
Other names: NM_000051.4(ATM):c.9023G>A; c.9023G>A (NM_000051.2); c.9023G>A, p.Arg3008His (NM_001351834.2); c.640+20560C>T (NM_001330368.2); c.694+20560C>T (NM_001351110.2); short protein forms R3008H.
Identifiers: ClinVar variation 141634 (VCV000141634.96), dbSNP rs587781894, ClinGen allele CA165987.

ClinVar aggregate classification (germline): Likely pathogenic. Review status: reviewed by expert panel (3 of 4 stars). 21 submissions from 21 submitters: Likely pathogenic (1). 20 of the submissions do not count toward it. Last evaluated 2026-06-19.
ClinVar aggregate classification (somatic clinical impact): Tier I - Strong (1 of 4 stars; one submission).

Conditions:
Inherited breast cancer and ovarian cancer.
ATM-related cancer predisposition. Also called: ATM-related cancer susceptibility. Identifiers: MedGen CN377759, MONDO:0700270.
ATM-related disorder. Also called: ATM-related disorders; ATM-related condition.
Hereditary cancer-predisposing syndrome. Also called: Neoplastic Syndromes, Hereditary; Hereditary Cancer Syndrome; Tumor predisposition; Hereditary neoplastic syndrome. Identifiers: Orphanet 140162, MedGen C0027672, MeSH D009386, MONDO:0015356.
Gastric cancer. Also called: Stomach cancer; Malignant tumor of stomach. Identifiers: MedGen C0024623, MeSH D013274, MONDO:0001056, OMIM 613659, HP:0012126.
Familial cancer of breast. Also called: BREAST CANCER, FAMILIAL; hereditary breast carcinoma; Hereditary breast cancer. Identifiers: Orphanet 227535, MedGen C0346153, MONDO:0016419, OMIM 114480. Disease mechanism: loss of function.
Ataxia-telangiectasia syndrome (AT). Also called: Ataxia-telangiectasia, complementation group D; AT, COMPLEMENTATION GROUP C; Ataxia-telangiectasia; ATAXIA-TELANGIECTASIA, COMPLEMENTATION GROUP A; ATAXIA-TELANGIECTASIA, FRESNO VARIANT; Ataxia-telangiectasia, complementation group E. Identifiers: Orphanet 100, MedGen C0004135, MONDO:0008840, OMIM 208900.
Hereditary breast ovarian cancer syndrome. Also called: BRCA1- and BRCA2-Associated Hereditary Breast and Ovarian Cancer; Hereditary breast and ovarian cancer syndrome; Hereditary breast and ovarian cancer syndrome (HBOC); Hereditary breast and/or ovarian cancer syndrome; Hereditary breast and ovarian cancer; Breast and ovarian cancer. Identifiers: Orphanet 145, MedGen C0677776, MeSH D061325, MONDO:0003582. Disease mechanism: loss of function.
Malignant tumor of breast. Also called: Malignant breast neoplasm; Cancer breast. Identifiers: MedGen C0006142, MONDO:0007254. Disease mechanism: loss of function.
Diffuse midline glioma, H3 K27M-mutant. Identifiers: MedGen C4289688, MONDO:0957196.

Allele frequency attached by ClinVar (database versions not stated): gnomAD 0.00001; gnomAD exomes 0.00001; ExAC 0.00001; TOPMed 0.00001.
gnomAD v4.1: 9 of 1,614,000 alleles (0.00056%); highest among the groups gnomAD compares: East Asian, 0.0022%; no homozygotes.

Submissions 1 to 6 of 22:

ClinGen Hereditary Breast, Ovarian and Pancreatic Cancer Variant Curation Expert Panel, ClinGen
Classification: Likely pathogenic for ATM-related cancer predisposition. Last evaluated: 2026-06-19. Review status: reviewed by expert panel. Criteria: ClinGen HBOP ACMG Specifications ATM V1.5.0. Collection method: curation. Allele origin: germline. Inheritance: Autosomal dominant inheritance.
Comment: The c.9023G>A variant in ATM is a missense variant predicted to cause substitution of arginine by histidine at amino acid 3008 (p.Arg3008His). This variant has been detected in individual(s) with Ataxia-Telangiectasia (PMIDs: 21665257, 26896183, 30549301, 32754152, 33598286, 36704080). The highest population minor allele frequency in gnomAD v4.1.1 is 0.00002228 in East Asian population (PM2_Supporting, BS1, and BA1 are not met). In vitro assays in mice showed immunodeficiency, cell cycle defects, genomic instability, and increased tumor risk indicating that this variant impacts protein function (PMID 33239428). The computational predictor REVEL gives a score of 0.46, which is neither above nor below the thresholds predicting a damaging or benign impact on ATM function. In summary, this variant meets the criteria to be classified as likely pathogenic for autosomal dominant ATM-related cancer predisposition and autosomal recessive Ataxia-Telangiectasia based on the ACMG/AMP criteria applied, as specified by the HBOP VCEP. (PM3_VeryStrong, PS3_Supporting)

PreventionGenetics, part of Exact Sciences
Classification: Likely pathogenic for ATM-related condition. Last evaluated: 2026-04-09. Review status: criteria provided, single submitter. Criteria: ACMG Guidelines, 2015. Collection method: clinical testing. Allele origin: germline. Not counted in ClinVar's aggregate classification.
Comment: The ATM c.9023G>A variant is predicted to result in the amino acid substitution p.Arg3008His. This variant has been reported in individuals with ataxia-telangiectasia, breast, melanoma, prostate, and/or colon cancer (Strand et al. 2020. PubMed ID: 32754152; Paglia et al. 2009. PubMed ID: 19404735; Micol et al. 2011. PubMed ID: 21665257; Li et al. 2018. PubMed ID: 29752822; Bertelsen et al. 2019. PubMed ID: 31263571; Schon et al. 2019. PubMed ID: 30549301; Wong et al. 2019. PubMed ID: 30620386; Karlsson et al. 2021. PubMed ID: 33436325; Gong et al. 2019. PubMed ID: 31118792). This variant is reported in 0.0040% of alleles in individuals of European (Finnish) descent in gnomAD, and is interpreted as pathogenic or likely pathogenic in ClinVar (Variation ID: 141634). Another variant at this codon (p.Arg3008Cys) has been observed in individuals with ataxia-telangiectasia and has been shown to disrupt normal ATM protein function (Hacia et al. 1998. PubMed ID: 9872980; Gutiérrez-Enríquez et al. 2004. PubMed ID: 15101044; Schon et al. 2019. PubMed ID: 30549301) suggesting this amino acid is clinically relevant. This variant is classified as likely pathogenic.

German Consortium for Hereditary Breast and Ovarian Cancer, University Hospital Cologne
Classification: Likely pathogenic for Hereditary breast ovarian cancer syndrome. Last evaluated: 2026-03-13. Review status: criteria provided, single submitter. Criteria: ClinGen ATM V1.5.0. Collection method: curation. Allele origin: germline. Not counted in ClinVar's aggregate classification.
Comment: This classification follows the ClinGen ACMG ATM v1.5.0 classification scheme; We chose these criteria: PS3 (medium pathogenic): Milanovic (2021, PMID: 33239428): Mouse models carrying this variant were immunodeficient and displayed spontaneous craniofacial abnormalities and delayed lymphomagenesis compared with WT controls + Hanenberg (2025 PMID: 40105422): deleterious , PM3 (strong pathogenic): Cao et al., 2023, PMID 33598286: in AT compound-het; Strand et al., 2020 PMID: 32754152: in trans, compound-het, AT; Das et al., 2023, compound-het , PMID: 37075885; Caputi C et al., MOVEMENT DISORDERS CLINICAL PRACTICE 2023; 10(1): 124–129 (compound-het)

Dasa
Classification: Pathogenic. Last evaluated: 2026-01-19. Review status: criteria provided, single submitter. Criteria: DASA Assertion Criteria. Collection method: clinical testing. Allele origin: germline. Not counted in ClinVar's aggregate classification.
Comment: NM_000051.4(ATM):c.9023G>A (p.Arg3008His) is a missense variant that results in the substitution of arginine with histidine. This variant has been observed in affected individuals with related phenotype in a genotype context consistent with recessive disease (PMID: 36704080; PMID: 33598286; PMID: 30549301; PMID: 29752822; PMID: 31118792). This variant has been recurrently observed in individuals with related phenotype (PMID: 36704080; PMID: 33598286; PMID: 30549301; PMID: 29752822; PMID: 31118792). The variant is present at low frequency in population datasets. Based on the available data, this variant is classified as pathogenic.

Labcorp Genetics (formerly Invitae), Labcorp
Classification: Pathogenic for Ataxia-telangiectasia syndrome. Last evaluated: 2025-12-10. Review status: criteria provided, single submitter. Criteria: Invitae Variant Classification Sherloc (09022015). Collection method: clinical testing. Allele origin: germline. Not counted in ClinVar's aggregate classification.
Comment: This sequence change replaces arginine, which is basic and polar, with histidine, which is basic and polar, at codon 3008 of the ATM protein (p.Arg3008His). This variant is present in population databases (rs587781894, gnomAD 0.004%). This missense change has been observed in individual(s) with ataxia-telangiectasia and/or personal or family history of breast, ovarian, and/or colon cancer (PMID: 2166257, 19404735, 21665257, 29752822, 31118792, 32754152). In at least one individual the data is consistent with being in trans (on the opposite chromosome) from a pathogenic variant. ClinVar contains an entry for this variant (Variation ID: 141634). Invitae Evidence Modeling of protein sequence and biophysical properties (such as structural, functional, and spatial information, amino acid conservation, physicochemical variation, residue mobility, and thermodynamic stability) has been performed for this missense variant. However, the output from this modeling did not meet the statistical confidence thresholds required to predict the impact of this variant on ATM protein function. This variant disrupts the p.Arg3008 amino acid residue in ATM. Other variant(s) that disrupt this residue have been determined to be pathogenic (PMID: 9872980, 10817650, 12552566, 15101044, 18573109, 19431188). This suggests that this residue is clinically significant, and that variants that disrupt this residue are likely to be disease-causing. For these reasons, this variant has been classified as Pathogenic.

GeneDx
Classification: Likely pathogenic. Last evaluated: 2025-11-05. Review status: criteria provided, single submitter. Criteria: GeneDx Variant Classification Process June 2021. Collection method: clinical testing. Allele origin: germline. Affected: yes. Not counted in ClinVar's aggregate classification.
Comment: In silico analysis supports that this missense variant has a deleterious effect on protein structure/function; Not observed at significant frequency in large population cohorts (gnomAD); Published functional studies demonstrate a damaging effect: reduced ATM protein expression, deficient p21 induction, and reduced ATM kinase activity (PMID: 33239428, 23585524, 37627223, 40580951, 40105422); Observed in the heterozygous state in individuals with a personal or family history of breast, colorectal, and other cancers (PMID: 19404735, 31118792, 29752822, 33436325, 39568345); This variant is associated with the following publications: (PMID: 17968022, 12697903, 25742471, 12149228, 28152038, 27586204, 29752822, 30620386, 19404735, 22529920, 10397742, 11756177, 23585524, 21933854, 27714650, 23103869, 26536348, 25925381, 26205736, 29316426, 29922827, 29946849, 29866652, 27194209, 28652578, 30549301, 30855176, 31118792, 32754152, 33332384, 33436325, 32873698, 34771661, 33598286, 33280026, 35480123, 33239428, 34556870, 34151669, 35347810, 31263571, 33536256, Villaruz2022[Abstract], 35264596, 35886069, 37075885, 21665257, 36704080, 37627223, 40105422, 40580951, 33309985, 39568345, 23532176)